The following is an entry in ClinVar:

NM_002336.3(LRP6):c.2995-17T>G

Gene: LRP6 (LDL receptor related protein 6; minus strand). Cytogenetic location: 12p13.2.
Variant type: single nucleotide variant.
Coding change: c.2995-17T>G on transcript NM_002336.3 (MANE Select); 17 bases into the intron before coding-DNA position 2995, T replaced by G.
Molecular consequence: intron variant.
Genome position (GRCh38, 1-based): chr12:12,149,170, A>C on the plus strand (T>G on the coding strand, the complement: LRP6 is on the minus strand). VCF-style: chr12-12149170-A-C. GRCh37 (hg19) VCF-style: chr12-12302104-A-C.
Other names: c.2542-17T>G (NM_001414254.1, NM_001414253.1, NM_001414252.1); c.2797-17T>G (NM_001414247.1); c.2488-17T>G (NM_001414255.1); c.2995-17T>G (NM_001414251.1, NM_001414246.1, NM_001414248.1 and 4 more transcripts).
Identifiers: ClinVar variation 3724425 (VCV003724425.2).
Genomic context (GRCh38, chr12:12,149,170, plus strand): 5'-TCCAGGTTCTGACTCGGAACTGAGCTCACAACCACAGTAAAGCCCTAGGGAAAAAAAGAA[A>C]TACAGAGAAAATTAAACTCCAGGGGCAGATAACCCTGAGGCAATCAGTCACAATGCTTAC-3'

ClinVar aggregate classification (germline): Uncertain significance (1 of 4 stars; one submission).

Submission:

Labcorp Genetics (formerly Invitae), Labcorp
Classification: Uncertain significance. Last evaluated: 2024-11-02. Review status: criteria provided, single submitter. Criteria: Invitae Variant Classification Sherloc (09022015). Collection method: clinical testing. Allele origin: germline.
Comment: This sequence change falls in intron 13 of the LRP6 gene. It does not directly change the encoded amino acid sequence of the LRP6 protein. This variant is not present in population databases (gnomAD no frequency). This variant has not been reported in the literature in individuals affected with LRP6-related conditions. Algorithms developed to predict the effect of sequence changes on RNA splicing suggest that this variant may create or strengthen a splice site. In summary, the available evidence is currently insufficient to determine the role of this variant in disease. Therefore, it has been classified as a Variant of Uncertain Significance.